The following is an entry in ClinVar:

ClinVar aggregate classification (germline): Conflicting classifications of pathogenicity. Review status: criteria provided, conflicting classifications (1 of 4 stars). 2 submissions from 2 submitters: Uncertain significance (1); Likely benign (1). Last evaluated 2024-12-07.

Conditions:
Episodic ataxia type 2 (EA2). Also called: ACETAZOLAMIDE-RESPONSIVE HEREDITARY PAROXYSMAL CEREBELLAR ATAXIA; ATAXIA, EPISODIC, WITH NYSTAGMUS; ATAXIA, FAMILIAL PAROXYSMAL; CEREBELLAR ATAXIA, PAROXYSMAL, ACETAZOLAMIDE-RESPONSIVE; CEREBELLOPATHY, HEREDITARY PAROXYSMAL; EPISODIC ATAXIA, NYSTAGMUS-ASSOCIATED. Identifiers: Orphanet 97, MedGen C1720416, MONDO:0007163, OMIM 108500.
Developmental and epileptic encephalopathy, 42 (DEE42A). Also called: DEVELOPMENTAL AND EPILEPTIC ENCEPHALOPATHY 42A; EPILEPTIC ENCEPHALOPATHY, EARLY INFANTILE, 42A; Epileptic encephalopathy, early infantile, 42. Identifiers: MedGen C4310716, MONDO:0014917, OMIM 617106.

Allele frequency attached by ClinVar (database versions not stated): gnomAD 0.00001; gnomAD exomes 0.00001; TOPMed 0.00001; ExAC 0.00002.
gnomAD v4.1: 16 of 1,607,744 alleles (0.001%); highest among the groups gnomAD compares: African/African-American, 0.0013%; no homozygotes.

Submissions (2):

Labcorp Genetics (formerly Invitae), Labcorp
Classification: Uncertain significance for Developmental and epileptic encephalopathy, 42; Episodic ataxia type 2. Last evaluated: 2024-12-07. Review status: criteria provided, single submitter. Criteria: Invitae Variant Classification Sherloc (09022015). Collection method: clinical testing. Allele origin: germline.
Comment: This sequence change falls in intron 33 of the CACNA1A gene. It does not directly change the encoded amino acid sequence of the CACNA1A protein. It affects a nucleotide within the consensus splice site. This variant is present in population databases (rs576141199, gnomAD 0.007%). This variant has not been reported in the literature in individuals affected with CACNA1A-related conditions. ClinVar contains an entry for this variant (Variation ID: 840629). Variants that disrupt the consensus splice site are a relatively common cause of aberrant splicing (PMID: 17576681, 9536098). Algorithms developed to predict the effect of sequence changes on RNA splicing suggest that this variant is not likely to affect RNA splicing. In summary, the available evidence is currently insufficient to determine the role of this variant in disease. Therefore, it has been classified as a Variant of Uncertain Significance.

GeneDx
Classification: Likely benign. Last evaluated: 2021-03-08. Review status: criteria provided, single submitter. Criteria: GeneDx Variant Classification Process June 2021. Collection method: clinical testing. Allele origin: germline. Affected: yes.

Literature cited by the submitters: PubMed 17576681 (cited by Labcorp Genetics (formerly Invitae), Labcorp); PubMed 9536098 (cited by Labcorp Genetics (formerly Invitae), Labcorp).

NM_001127222.2(CACNA1A):c.5134-3C>T

Gene: CACNA1A (calcium voltage-gated channel subunit alpha1 A; minus strand). Cytogenetic location: 19p13.13.
Variant type: single nucleotide variant.
Coding change: c.5134-3C>T on transcript NM_001127222.2 (MANE Select); 3 bases into the intron before coding-DNA position 5134, C replaced by T.
Molecular consequence: intron variant.
Genome position (GRCh38, 1-based): chr19:13,235,039, G>A on the plus strand (C>T on the coding strand, the complement: CACNA1A is on the minus strand). VCF-style: chr19-13235039-G-A. GRCh37 (hg19) VCF-style: chr19-13345853-G-A.
Other names: c.5137-3C>T (NM_001127221.2); c.5143-3C>T (NM_001174080.2); c.5152-3C>T (NM_000068.4, NM_023035.3).
Identifiers: ClinVar variation 840629 (VCV000840629.10), dbSNP rs576141199, ClinGen allele CA9239812.
Genomic context (GRCh38, chr19:13,235,039, plus strand): 5'-GGAACTCATCTTCATCACTGTCCTCGTCCTCCACGTCGATGCCAATGTTACCAAACACCT[G>A]TGGAATTGGAGGGTGACGACCAGGGGCTGCCATTCCTCCAGTGGCTTCTGGGAAACCCAG-3'